The following is an entry in ClinVar:

ClinVar aggregate classification (germline): Conflicting classifications of pathogenicity. Review status: criteria provided, conflicting classifications (1 of 4 stars). 2 submissions from 2 submitters: Pathogenic (1); Uncertain significance (1). Last evaluated 2023-07-21.

Conditions:
Charcot-Marie-Tooth disease axonal type 2U. Also called: CHARCOT-MARIE-TOOTH DISEASE, AXONAL, AUTOSOMAL DOMINANT, TYPE 2U; CHARCOT-MARIE-TOOTH NEUROPATHY, TYPE 2U. Identifiers: Orphanet 397735, MedGen C4084821, MONDO:0014566, OMIM 616280.
Severe early-onset pulmonary alveolar proteinosis due to MARS deficiency. Also called: Interstitial lung and liver disease; PULMONARY ALVEOLAR PROTEINOSIS, REUNION ISLAND. Identifiers: Orphanet 440427, MedGen C4225400, MONDO:0014206, OMIM 615486.

Submissions (2):

Ambry Genetics
Classification: Pathogenic. Last evaluated: 2023-07-21. Review status: criteria provided, single submitter. Criteria: Ambry Variant Classification Scheme 2023. Collection method: clinical testing. Allele origin: germline.
Comment: The c.659delC (p.P220Lfs*25) alteration, located in exon 6 (coding exon 6) of the MARS gene, consists of a deletion of one nucleotide at position 659, causing a translational frameshift with a predicted alternate stop codon after 25 amino acids. This alteration is expected to result in loss of function by premature protein truncation or nonsense-mediated mRNA decay. Although biallelic loss of function of MARS has been associated with autosomal recessive (AR) cytoplasmic methionine-tRNA synthetase deficiency, haploinsufficiency of MARS has not been established as a mechanism of disease for autosomal dominant (AD) MARS1-related Charcot-Marie-Tooth disease, type 2. _x000D_ _x000D_ Based on the available evidence, the MARS c.659delC (p.P220Lfs*25) alteration is classified as pathogenic for AR cytoplasmic methionine-tRNA synthetase deficiency; however, the clinical significance for AD MARS1-related Charcot-Marie-Tooth disease, type 2 is uncertain. This allele was reported in one heterozygous individual in population-based cohorts in the Genome Aggregation Database (gnomAD). Based on the available evidence, this alteration is classified as pathogenic.

Labcorp Genetics (formerly Invitae), Labcorp
Classification: Uncertain significance for Charcot-Marie-Tooth disease axonal type 2U; Severe early-onset pulmonary alveolar proteinosis due to MARS deficiency. Last evaluated: 2023-02-16. Review status: criteria provided, single submitter. Criteria: Invitae Variant Classification Sherloc (09022015). Collection method: clinical testing. Allele origin: germline.
Comment: This sequence change creates a premature translational stop signal (p.Pro220Leufs*25) in the MARS gene. It is expected to result in an absent or disrupted protein product. However, the current clinical and genetic evidence is not sufficient to establish whether loss-of-function variants in MARS cause disease. This variant is present in population databases (rs777370844, gnomAD 0.0009%). This premature translational stop signal has been observed in individual(s) with Charcot-Marie-Tooth disease (Invitae). ClinVar contains an entry for this variant (Variation ID: 946663). In summary, the available evidence is currently insufficient to determine the role of this variant in disease. Therefore, it has been classified as a Variant of Uncertain Significance.

NM_004990.4(MARS1):c.659del (p.Pro220fs)

Gene: MARS1 (methionyl-tRNA synthetase 1; plus strand). Cytogenetic location: 12q13.3.
Variant type: Deletion.
Coding change: c.659del on transcript NM_004990.4 (MANE Select); coding-DNA position 659, one base deleted (C; older notation c.659delC).
Protein change: p.Pro220fs; shifts the reading frame from proline 220.
Molecular consequence: frameshift variant.
Genome position (GRCh38, 1-based): chr12:57,490,375, C deleted; the last of 2 consecutive C bases (chr12:57,490,374-57,490,375); deleting either gives the same sequence. VCF-style (leftmost placement, unchanged base first): chr12-57490373-GC-G. GRCh37 (hg19) VCF-style: chr12-57884156-GC-G.
Other names: c.659delC (NM_004990.3); short protein forms P220fs.
Identifiers: ClinVar variation 946663 (VCV000946663.11), dbSNP rs777370844, ClinGen allele CA6650232.
Genomic context (GRCh38, chr12:57,490,373, plus strand): 5'-GCCTTACCTCCAAAAGCAGCCCCAGCCCAGCCCCGCTGAGGGAAGGGCTGTCACCAATGA[GC>G]CTGAGGTTTGGAATAGGGCAGAGCCTTGGGGCCTGAGGTGGGAGGTGGCTAGGAGATGGA-3'